The following is an entry in ClinVar:

NM_000059.4(BRCA2):c.8433_8439del (p.Asp2811fs)

Gene: BRCA2 (BRCA2 DNA repair associated; plus strand). Cytogenetic location: 13q13.1.
Variant type: Deletion.
Coding change: c.8433_8439del on transcript NM_000059.4 (MANE Select); coding-DNA positions 8433 to 8439, 7 bases deleted (TGGAGGA; older notation c.8433_8439delTGGAGGA).
Protein change: p.Asp2811fs; shifts the reading frame from aspartic acid 2811.
Molecular consequence: frameshift variant.
Genome position (GRCh38, 1-based): chr13:32,370,503-32,370,509, TGGAGGA deleted; deleting any 7 consecutive bases within chr13:32,370,501-32,370,509 gives the same sequence; the c. name uses the placement nearest the transcript's 3' end. VCF-style (leftmost placement, unchanged base first): chr13-32370500-TGATGGAG-T. GRCh37 (hg19) VCF-style: chr13-32944637-TGATGGAG-T.
Other names: short protein forms D2811fs.
Identifiers: ClinVar variation 967249 (VCV000967249.8), dbSNP rs2072821629, ClinGen allele CA1139663161.

ClinVar aggregate classification (germline): Pathogenic (1 of 4 stars; one submission).

Conditions:
Hereditary breast ovarian cancer syndrome. Also called: Hereditary breast and ovarian cancer; Hereditary breast and/or ovarian cancer syndrome; Hereditary breast and ovarian cancer syndrome; Hereditary breast and ovarian cancer syndrome (HBOC); Breast and ovarian cancer; BRCA1- and BRCA2-Associated Hereditary Breast and Ovarian Cancer. Identifiers: Orphanet 145, MedGen C0677776, MeSH D061325, MONDO:0003582. Disease mechanism: loss of function.

Submission:

Labcorp Genetics (formerly Invitae), Labcorp
Classification: Pathogenic for Hereditary breast ovarian cancer syndrome. Last evaluated: 2019-10-22. Review status: criteria provided, single submitter. Criteria: Invitae Variant Classification Sherloc (09022015). Collection method: clinical testing. Allele origin: germline.
Comment: This variant is not present in population databases (ExAC no frequency). This sequence change creates a premature translational stop signal (p.Asp2811Glufs*8) in the BRCA2 gene. It is expected to result in an absent or disrupted protein product. This variant has not been reported in the literature in individuals with BRCA2-related conditions. For these reasons, this variant has been classified as Pathogenic. Loss-of-function variants in BRCA2 are known to be pathogenic (PMID: 20104584).

Literature cited by the submitters: PubMed 20104584.